The following is an entry in ClinVar:

ClinVar aggregate classification (germline): Uncertain significance (1 of 4 stars; one submission).

Conditions:
Hoyeraal-Hreidarsson syndrome (HHS). Also called: CEREBELLAR HYPOPLASIA WITH PANCYTOPENIA. Identifiers: Orphanet 3322, MedGen C1846142, MONDO:0018045.
Autosomal recessive dyskeratosis congenita. Identifiers: MedGen C3502105.

Allele frequency attached by ClinVar (database versions not stated): TOPMed below 0.00001; gnomAD 0.00001.
gnomAD v4.1: 7 of 1,614,004 alleles (0.00043%); highest among the groups gnomAD compares: Non-Finnish European, 0.00059%; no homozygotes.

Submission:

Labcorp Genetics (formerly Invitae), Labcorp
Classification: Uncertain significance for Hoyeraal Hreidarsson syndrome; Autosomal recessive dyskeratosis congenita. Last evaluated: 2018-09-06. Review status: criteria provided, single submitter. Criteria: Invitae Variant Classification Sherloc (09022015). Collection method: clinical testing. Allele origin: germline.
Comment: This sequence change replaces valine with isoleucine at codon 92 of the DCLRE1B protein (p.Val92Ile). The valine residue is highly conserved and there is a small physicochemical difference between valine and isoleucine. This variant is present in population databases (rs755192360, ExAC 0.004%). This variant has not been reported in the literature in individuals with DCLRE1B-related disease. Algorithms developed to predict the effect of missense changes on protein structure and function (SIFT, PolyPhen-2, Align-GVGD) all suggest that this variant is likely to be disruptive, but these predictions have not been confirmed by published functional studies and their clinical significance is uncertain. In summary, the available evidence is currently insufficient to determine the role of this variant in disease. Therefore, it has been classified as a Variant of Uncertain Significance.

NM_022836.4(DCLRE1B):c.274G>A (p.Val92Ile)

Gene: DCLRE1B (DNA cross-link repair 1B; plus strand). Cytogenetic location: 1p13.2.
Variant type: single nucleotide variant.
Coding change: c.274G>A on transcript NM_022836.4 (MANE Select); coding-DNA position 274, G replaced by A.
Protein change: p.Val92Ile; replaces valine 92 with isoleucine.
Molecular consequence: missense variant. On other transcripts: intron variant (3).
Genome position (GRCh38, 1-based): chr1:113,907,080, G>A. VCF-style: chr1-113907080-G-A. GRCh37 (hg19) VCF-style: chr1-114449702-G-A.
Other names: c.274G>A, p.Val92Ile (NM_001363690.2, LRG_1219t1); c.-23-929G>A (NM_001319947.2, NM_001319946.2, NM_001363691.2); short protein forms V92I.
Identifiers: ClinVar variation 652350 (VCV000652350.1), dbSNP rs755192360, ClinGen allele CA1016326.